The following is an entry in ClinVar:

ClinVar aggregate classification (germline): Uncertain significance. Review status: criteria provided, multiple submitters, no conflicts (2 of 4 stars). 2 submissions from 2 submitters: Uncertain significance (2). Last evaluated 2023-03-20.

Conditions:
Hereditary cancer-predisposing syndrome. Also called: Neoplastic Syndromes, Hereditary; Tumor predisposition; Hereditary Cancer Syndrome; Hereditary neoplastic syndrome. Identifiers: Orphanet 140162, MedGen C0027672, MeSH D009386, MONDO:0015356.

Allele frequency attached by ClinVar (database versions not stated): gnomAD exomes below 0.00001.
gnomAD v4.1: 1 of 1,614,012 alleles (0.000062%); highest among the groups gnomAD compares: Non-Finnish European, 0.000085%; no homozygotes.

Submissions (2):

Labcorp Genetics (formerly Invitae), Labcorp
Classification: Uncertain significance. Last evaluated: 2023-03-20. Review status: criteria provided, single submitter. Criteria: Invitae Variant Classification Sherloc (09022015). Collection method: clinical testing. Allele origin: germline.
Comment: ClinVar contains an entry for this variant (Variation ID: 1735886). This sequence change replaces valine, which is neutral and non-polar, with isoleucine, which is neutral and non-polar, at codon 130 of the MSH3 protein (p.Val130Ile). This variant is not present in population databases (gnomAD no frequency). This variant has not been reported in the literature in individuals affected with MSH3-related conditions. Algorithms developed to predict the effect of missense changes on protein structure and function output the following: SIFT: "Not Available"; PolyPhen-2: "Benign"; Align-GVGD: "Not Available". The isoleucine amino acid residue is found in multiple mammalian species, which suggests that this missense change does not adversely affect protein function. In summary, the available evidence is currently insufficient to determine the role of this variant in disease. Therefore, it has been classified as a Variant of Uncertain Significance.

Ambry Genetics
Classification: Uncertain significance for Hereditary cancer-predisposing syndrome. Last evaluated: 2022-07-07. Review status: criteria provided, single submitter. Criteria: Ambry Variant Classification Scheme 2023. Collection method: clinical testing. Allele origin: germline.
Comment: The p.V130I variant (also known as c.388G>A), located in coding exon 3 of the MSH3 gene, results from a G to A substitution at nucleotide position 388. The valine at codon 130 is replaced by isoleucine, an amino acid with highly similar properties. This amino acid position is conserved. In addition, this alteration is predicted to be tolerated by in silico analysis. Since supporting evidence is limited at this time, the clinical significance of this alteration remains unclear.

NM_002439.5(MSH3):c.388G>A (p.Val130Ile)

Gene: MSH3 (mutS homolog 3; plus strand). Cytogenetic location: 5q14.1.
Variant type: single nucleotide variant.
Coding change: c.388G>A on transcript NM_002439.5 (MANE Select); coding-DNA position 388, G replaced by A.
Protein change: p.Val130Ile; replaces valine 130 with isoleucine.
Molecular consequence: missense variant.
Genome position (GRCh38, 1-based): chr5:80,665,172, G>A. VCF-style: chr5-80665172-G-A. GRCh37 (hg19) VCF-style: chr5-79960991-G-A.
Other names: short protein forms V130I.
Identifiers: ClinVar variation 1735886 (VCV001735886.5), dbSNP rs2546717361, ClinGen allele CA360263063.